The following is an entry in ClinVar:

NM_000350.3(ABCA4):c.769-157T>G

Gene: ABCA4 (ATP binding cassette subfamily A member 4; minus strand). Cytogenetic location: 1p22.1.
Variant type: single nucleotide variant.
Coding change: c.769-157T>G on transcript NM_000350.3 (MANE Select); 157 bases into the intron before coding-DNA position 769, T replaced by G.
Molecular consequence: intron variant.
Genome position (GRCh38, 1-based): chr1:94,083,598, A>C on the plus strand (T>G on the coding strand, the complement: ABCA4 is on the minus strand). VCF-style: chr1-94083598-A-C. GRCh37 (hg19) VCF-style: chr1-94549154-A-C.
Identifiers: ClinVar variation 679571 (VCV000679571.1), dbSNP rs76277422, ClinGen allele CA26873700.

ClinVar aggregate classification (germline): Likely benign (1 of 4 stars; one submission).

Allele frequency attached by ClinVar (database versions not stated): 1000 Genomes Project 30x 0.01265; 1000 Genomes Project 0.01358; gnomAD 0.01380; TOPMed 0.01483.
gnomAD v4.1: 2,002 of 152,082 alleles (1.3%); highest among the groups gnomAD compares: African/African-American, 4.6%; 58 homozygotes.

Submission:

GeneDx
Classification: Likely benign. Last evaluated: 2018-06-19. Review status: criteria provided, single submitter. Criteria: GeneDx Variant Classification (06012015). Collection method: clinical testing. Allele origin: germline. Affected: yes.
Comment: This variant is considered likely benign or benign based on one or more of the following criteria: it is a conservative change, it occurs at a poorly conserved position in the protein, it is predicted to be benign by multiple in silico algorithms, and/or has population frequency not consistent with disease.